The following is an entry in ClinVar:

NM_001114753.3(ENG):c.1963A>G (p.Ser655Gly)

Gene: ENG (endoglin; minus strand). Cytogenetic location: 9q34.11.
Variant type: single nucleotide variant.
Coding change: c.1963A>G on transcript NM_001114753.3 (MANE Select); coding-DNA position 1963, A replaced by G.
Protein change: p.Ser655Gly; replaces serine 655 with glycine.
Molecular consequence: missense variant. On other transcripts: 3 prime UTR variant (1).
Genome position (GRCh38, 1-based): chr9:127,815,696, T>C on the plus strand (A>G on the coding strand, the complement: ENG is on the minus strand). VCF-style: chr9-127815696-T-C. GRCh37 (hg19) VCF-style: chr9-130577975-T-C.
Other names: c.*221A>G (NM_000118.4); c.1417A>G, p.Ser473Gly (NM_001278138.2); short protein forms S473G, S655G.
Identifiers: ClinVar variation 4870399 (VCV004870399.1).

ClinVar aggregate classification (germline): Uncertain significance (1 of 4 stars; one submission).

Conditions:
Cardiovascular phenotype. Identifiers: MedGen CN230736.

Submission:

Ambry Genetics
Classification: Uncertain significance for Cardiovascular phenotype. Last evaluated: 2026-03-17. Review status: criteria provided, single submitter. Criteria: Ambry Variant Classification Scheme 2023. Collection method: clinical testing. Allele origin: germline.
Comment: The p.S655G variant (also known as c.1963A>G), located in coding exon 15 of the ENG gene, results from an A to G substitution at nucleotide position 1963. The serine at codon 655 is replaced by glycine, an amino acid with similar properties. This amino acid position is conserved. In addition, this alteration is predicted to be tolerated by in silico analysis. Based on the available evidence, the clinical significance of this variant remains unclear.